The following is an entry in ClinVar:

ClinVar aggregate classification (germline): Likely benign (1 of 4 stars; one submission).

Submission:

GeneDx
Classification: Likely benign. Last evaluated: 2017-04-11. Review status: criteria provided, single submitter. Criteria: GeneDx Variant Classification (06012015). Collection method: clinical testing. Allele origin: germline. Affected: yes.
Comment: This variant is considered likely benign or benign based on one or more of the following criteria: it is a conservative change, it occurs at a poorly conserved position in the protein, it is predicted to be benign by multiple in silico algorithms, and/or has population frequency not consistent with disease.

NM_001111125.2(IQSEC2):c.2582+19_2582+29delCGCGAAGCTGCins64

Gene: IQSEC2 (IQ motif and Sec7 domain ArfGEF 2; minus strand). Cytogenetic location: Xp11.22.
Variant type: Indel.
Coding change: c.2582+19_2582+29delCGCGAAGCTGCins64 on transcript NM_001111125.2; bases 19 to 29 of the intron after coding-DNA position 2582, this stretch deleted.
Identifiers: ClinVar variation 508916 (VCV000508916.1).